The following is an entry in ClinVar:

NM_004655.4(AXIN2):c.2145C>T (p.Cys715=)

Gene: AXIN2 (axin 2; minus strand). Cytogenetic location: 17q24.1.
Variant type: single nucleotide variant.
Coding change: c.2145C>T on transcript NM_004655.4 (MANE Select); coding-DNA position 2145, C replaced by T.
Protein change: p.Cys715=; no amino-acid change (cysteine 715 retained).
Molecular consequence: synonymous variant.
Genome position (GRCh38, 1-based): chr17:65,535,718, G>A on the plus strand (C>T on the coding strand, the complement: AXIN2 is on the minus strand). VCF-style: chr17-65535718-G-A. GRCh37 (hg19) VCF-style: chr17-63531836-G-A.
Other names: c.1950C>T, p.Cys650= (NM_001363813.1); c.2145C>T (LRG_296t1).
Identifiers: ClinVar variation 415244 (VCV000415244.14), dbSNP rs752684933, ClinGen allele CA8718389.
Genomic context (GRCh38, chr17:65,535,718, plus strand): 5'-TGTGGCTCCCGTCTGAACAGTGGCCGAATGATTCCTGTCCCTCTGCTGACTGGCCACACA[G>A]CACCTGAGGACACAGCCAGGGCGAGGGATTTAGAGGTACACTGTTGTCCCCAGAGCAATT-3'
Protein context (NP_004646.3, residues 705-725): AEVSKPPKQR[Cys715=]CVASQQRDRN

ClinVar aggregate classification (germline): Benign/Likely benign. Review status: criteria provided, multiple submitters, no conflicts (2 of 4 stars). 3 submissions from 3 submitters: Benign (1); Likely benign (2). Last evaluated 2025-12-30.

Conditions:
Hereditary cancer-predisposing syndrome. Also called: Tumor predisposition; Neoplastic Syndromes, Hereditary; Hereditary neoplastic syndrome; Hereditary Cancer Syndrome. Identifiers: Orphanet 140162, MedGen C0027672, MeSH D009386, MONDO:0015356.
Oligodontia-cancer predisposition syndrome. Also called: TOOTH AGENESIS-COLORECTAL CANCER SYNDROME. Identifiers: Orphanet 300576, MedGen C1837750, MONDO:0012075, OMIM 608615. Disease mechanism: loss of function.

Allele frequency attached by ClinVar (database versions not stated): gnomAD exomes below 0.00001; ExAC 0.00001; gnomAD 0.00001; TOPMed 0.00002.

Submissions (3):

Labcorp Genetics (formerly Invitae), Labcorp
Classification: Likely benign for Oligodontia-cancer predisposition syndrome. Last evaluated: 2025-12-30. Review status: criteria provided, single submitter. Criteria: Invitae Variant Classification Sherloc (09022015). Collection method: clinical testing. Allele origin: germline.

Myriad Genetics, Inc.
Classification: Benign for Oligodontia-cancer predisposition syndrome. Last evaluated: 2024-07-10. Review status: criteria provided, single submitter. Criteria: Myriad Autosomal Dominant, Autosomal Recessive and X-Linked Classification Criteria (2023). Collection method: clinical testing. Allele origin: unknown.
Comment: This variant is considered benign. This variant is a silent/synonymous amino acid change and it is not expected to impact splicing.

Ambry Genetics
Classification: Likely benign for Hereditary cancer-predisposing syndrome. Last evaluated: 2023-03-19. Review status: criteria provided, single submitter. Criteria: Ambry Variant Classification Scheme 2023. Collection method: clinical testing. Allele origin: germline.